The following is an entry in ClinVar:

NM_000350.3(ABCA4):c.1765del (p.Trp589fs)

Gene: ABCA4 (ATP binding cassette subfamily A member 4; minus strand). Cytogenetic location: 1p22.1.
Variant type: Deletion.
Coding change: c.1765del on transcript NM_000350.3 (MANE Select); coding-DNA position 1765, one base deleted (T; older notation c.1765delT).
Protein change: p.Trp589fs; shifts the reading frame from tryptophan 589.
Molecular consequence: frameshift variant.
Genome position (GRCh38, 1-based): chr1:94,062,749, A deleted on the plus strand (T on the coding strand, the reverse complement: ABCA4 is on the minus strand); the first of 2 consecutive A bases (chr1:94,062,749-94,062,750); deleting either gives the same sequence. VCF-style (leftmost placement, unchanged base first): chr1-94062748-CA-C. GRCh37 (hg19) VCF-style: chr1-94528304-CA-C.
Other names: c.1765delT (NM_000350.2); c.1764delT, p.Trp589Glyfs (NM_001425324.1); short protein forms W589fs.
Identifiers: ClinVar variation 587379 (VCV000587379.2), dbSNP rs1557787559, ClinGen allele CA913189327.

ClinVar aggregate classification (germline): Pathogenic. Review status: criteria provided, multiple submitters, no conflicts (2 of 4 stars). 2 submissions from 2 submitters: Pathogenic (2). Last evaluated 2019-03-08.

Conditions:
Cone-rod dystrophy 3 (CORD3). Identifiers: Orphanet 1872, MedGen C1858806, MONDO:0011395, OMIM 604116.

Submissions (2):

GeneDx
Classification: Pathogenic. Last evaluated: 2019-03-08. Review status: criteria provided, single submitter. Criteria: GeneDx Variant Classification (06012015). Collection method: clinical testing. Allele origin: germline. Affected: yes.
Comment: The c.1765delT variant has been observed previously in a patient intially diagnosed with Leber congenital amaurosis, but subsequently diagnosed with cone-rod-dystrophy (Weisschuh et al., 2018). The deletion causes a frameshift starting with codon Tryptophan 589, changes this amino acid to a Glycine residue and creates a premature Stop codon at position 60 of the new reading frame, denoted p.Trp589GlyfsX60. This variant is predicted to cause loss of normal protein function either through protein truncation or nonsense-mediated mRNA decay. The variant is not observed in large population cohorts (Lek et al., 2016). We interpret this variant as pathogenic.

Molecular Genetics Laboratory, Institute for Ophthalmic Research
Classification: Pathogenic for Cone-rod dystrophy 3. Last evaluated: 2018-08-21. Review status: criteria provided, single submitter. Criteria: ACMG Guidelines, 2015. Collection method: research. Allele origin: germline. Affected: yes.

Literature cited by the submitters: PubMed 30576320 (cited by Molecular Genetics Laboratory, Institute for Ophthalmic Research).